The following is an entry in ClinVar:

ClinVar aggregate classification (germline): Benign. Review status: criteria provided, multiple submitters, no conflicts (2 of 4 stars). 4 submissions from 3 submitters: Benign (4). Last evaluated 2021-06-10.

Conditions:
Autosomal recessive limb-girdle muscular dystrophy type 2A (LGMDR1). Also called: Limb-girdle muscular dystrophy, type 2A; Calpainopathy; Muscular dystrophy, limb-girdle, type 2A, Amish; LEYDEN-MOEBIUS MUSCULAR DYSTROPHY; MUSCULAR DYSTROPHY, PELVOFEMORAL. Identifiers: Orphanet 267, MedGen C1869123, MONDO:0009675, OMIM 253600. Disease mechanism: loss of function.
Muscular dystrophy, limb-girdle, autosomal dominant 4. Also called: MUSCULAR DYSTROPHY, LIMB-GIRDLE, TYPE 1I; Calpain-3-related limb-girdle muscular dystrophy D4. Identifiers: Orphanet 565909, MedGen C4748295, MONDO:0029133, OMIM 618129.

Allele frequency attached by ClinVar (database versions not stated): 1000 Genomes Project 30x 0.32933; 1000 Genomes Project 0.33247; TOPMed 0.43186; gnomAD 0.44255 and 0.44779.
gnomAD v4.1: 620,754 of 1,231,736 alleles (50%); highest among the groups gnomAD compares: Middle Eastern, 57%; 163,376 homozygotes.

Submissions (4):

Genome-Nilou Lab
Classification: Benign for Autosomal recessive limb-girdle muscular dystrophy type 2A. Last evaluated: 2021-06-10. Review status: criteria provided, single submitter. Criteria: ACMG Guidelines, 2015. Collection method: clinical testing. Allele origin: germline. Affected: no.

Genome-Nilou Lab
Classification: Benign for Muscular dystrophy, limb-girdle, autosomal dominant 4. Last evaluated: 2021-06-10. Review status: criteria provided, single submitter. Criteria: ACMG Guidelines, 2015. Collection method: clinical testing. Allele origin: germline. Affected: no.

GeneDx
Classification: Benign. Last evaluated: 2018-06-14. Review status: criteria provided, single submitter. Criteria: GeneDx Variant Classification (06012015). Collection method: clinical testing. Allele origin: germline. Affected: yes.
Comment: This variant is considered likely benign or benign based on one or more of the following criteria: it is a conservative change, it occurs at a poorly conserved position in the protein, it is predicted to be benign by multiple in silico algorithms, and/or has population frequency not consistent with disease.

Breakthrough Genomics
Classification: Benign. Review status: criteria provided, single submitter. Criteria: ACMG Guidelines, 2015. Collection method: not provided. Allele origin: germline. Inheritance: Autosomal recessive inheritance. Affected: yes.

NM_000070.3(CAPN3):c.2381-79T>C

Gene: CAPN3 (calpain 3; plus strand). Cytogenetic location: 15q15.1.
Variant type: single nucleotide variant.
Coding change: c.2381-79T>C on transcript NM_000070.3 (MANE Select); 79 bases into the intron before coding-DNA position 2381, T replaced by C.
Molecular consequence: intron variant.
Genome position (GRCh38, 1-based): chr15:42,411,208, T>C. VCF-style: chr15-42411208-T-C. GRCh37 (hg19) VCF-style: chr15-42703406-T-C.
Other names: c.2363-79T>C (NM_024344.2); c.2105-79T>C (NM_173087.2); c.845-79T>C (NM_173088.2); c.386-79T>C (NM_173090.2, NM_173089.2).
Identifiers: ClinVar variation 678305 (VCV000678305.5), dbSNP rs3115884, ClinGen allele CA14117328.